The following is an entry in ClinVar:

NM_138801.3(GALM):c.389C>T (p.Ser130Leu)

Gene: GALM (galactose mutarotase; plus strand). Cytogenetic location: 2p22.1.
Variant type: single nucleotide variant.
Coding change: c.389C>T on transcript NM_138801.3 (MANE Select); coding-DNA position 389, C replaced by T.
Protein change: p.Ser130Leu; replaces serine 130 with leucine.
Molecular consequence: missense variant.
Genome position (GRCh38, 1-based): chr2:38,681,323, C>T. VCF-style: chr2-38681323-C-T. GRCh37 (hg19) VCF-style: chr2-38908465-C-T.
Other names: short protein forms S130L.
Identifiers: ClinVar variation 2082064 (VCV002082064.1), dbSNP rs561652582, ClinGen allele CA1621521.
Genomic context (GRCh38, chr2:38,681,323, plus strand): 5'-AAAACACTTTTTTCCAGGTGCTCTGGACCCCTCGGGTGCTGTCAAATGGCGTCCAGTTCT[C>T]GCGCATCAGTCCAGATGGTGAAGAAGGCTACCCCGGAGAGTTAAAAGTCTGGGTGACATA-3'
Protein context (NP_620156.1, residues 120-140): PRVLSNGVQF[Ser130Leu]RISPDGEEGY

ClinVar aggregate classification (germline): Uncertain significance (1 of 4 stars; one submission).

Allele frequency attached by ClinVar (database versions not stated): gnomAD 0.00013; ExAC 0.00014; gnomAD exomes 0.00015; 1000 Genomes Project 0.00020; TOPMed 0.00020; 1000 Genomes Project 30x 0.00031.

Submission:

Labcorp Genetics (formerly Invitae), Labcorp
Classification: Uncertain significance. Last evaluated: 2022-08-31. Review status: criteria provided, single submitter. Criteria: Invitae Variant Classification Sherloc (09022015). Collection method: clinical testing. Allele origin: germline.
Comment: This sequence change replaces serine, which is neutral and polar, with leucine, which is neutral and non-polar, at codon 130 of the GALM protein (p.Ser130Leu). This variant is present in population databases (rs561652582, gnomAD 0.03%). This variant has not been reported in the literature in individuals affected with GALM-related conditions. Algorithms developed to predict the effect of missense changes on protein structure and function (SIFT, PolyPhen-2, Align-GVGD) all suggest that this variant is likely to be tolerated. Experimental studies have shown that this missense change does not substantially affect GALM function (PMID: 30910422). In summary, the available evidence is currently insufficient to determine the role of this variant in disease. Therefore, it has been classified as a Variant of Uncertain Significance.

Literature cited by the submitters: PubMed 30910422.